The following is an entry in ClinVar:

NM_001197104.2(KMT2A):c.3190C>T (p.Arg1064Ter)

Gene: KMT2A (lysine methyltransferase 2A; plus strand). Cytogenetic location: 11q23.3.
Variant type: single nucleotide variant.
Coding change: c.3190C>T on transcript NM_001197104.2 (MANE Select); coding-DNA position 3190, C replaced by T.
Protein change: p.Arg1064Ter; replaces arginine 1064 with a stop codon.
Molecular consequence: nonsense.
Genome position (GRCh38, 1-based): chr11:118,476,838, C>T. VCF-style: chr11-118476838-C-T. GRCh37 (hg19) VCF-style: chr11-118347553-C-T.
Other names: c.3190C>T, p.Arg1064Ter (NM_005933.4); short protein forms R1064*.
Identifiers: ClinVar variation 432486 (VCV000432486.53), dbSNP rs1555037629, ClinGen allele CA382823648.

ClinVar aggregate classification (germline): Pathogenic. Review status: criteria provided, multiple submitters, no conflicts (2 of 4 stars). 7 submissions from 7 submitters: Pathogenic (7). Last evaluated 2025-12-04.

Conditions:
Wiedemann-Steiner syndrome (WDSTS). Also called: Growth deficiency and mental retardation with facial dysmorphism. Identifiers: Orphanet 319182, MedGen C1854630, MONDO:0011518, OMIM 605130.
KMT2A-related disorder. Also called: KMT2A-related condition.

Submissions (7):

Variantyx, Inc.
Classification: Pathogenic for Wiedemann-Steiner syndrome. Last evaluated: 2025-12-04. Review status: criteria provided, single submitter. Criteria: Variantyx Assertion Criteria 2022. Collection method: clinical testing. Allele origin: germline. Inheritance: Autosomal dominant inheritance. Affected: yes.
Comment: This is a nonsense variant in the KMT2A gene (OMIM: 159555). Pathogenic variants in this gene have been associated with autosomal dominant Wiedemann-Steiner syndrome. This variant introduces a premature termination codon in exon 4 out of 36 and is expected to result in loss of function, which is a known disease mechanism for KMT2A in this disorder (PMID: 37025457) (PVS1). iI has been reported in at least one affected individual (PMID: 35982159) (PS4), While it is absent from control populations (PM2). Based on the current evidence, this variant is classified as pathogenic for autosomal dominant Wiedemann-Steiner syndrome.

Blueprint Genetics
Classification: Pathogenic for KMT2A-related disorders. Last evaluated: 2024-06-14. Review status: criteria provided, single submitter. Criteria: ACMG Guidelines, 2015. Collection method: clinical testing. Allele origin: germline. Affected: yes. Observed: 1 variant allele.

GeneDx
Classification: Pathogenic. Last evaluated: 2024-06-08. Review status: criteria provided, single submitter. Criteria: GeneDx Variant Classification Process June 2021. Collection method: clinical testing. Allele origin: germline. Affected: yes.
Comment: Nonsense variant predicted to result in protein truncation or nonsense mediated decay in a gene for which loss of function is a known mechanism of disease; Not observed at significant frequency in large population cohorts (gnomAD); This variant is associated with the following publications: (PMID: 33057194, 35982159, Zhang2024[Case Report])

Labcorp Genetics (formerly Invitae), Labcorp
Classification: Pathogenic. Last evaluated: 2024-02-14. Review status: criteria provided, single submitter. Criteria: Invitae Variant Classification Sherloc (09022015). Collection method: clinical testing. Allele origin: germline.
Comment: This sequence change creates a premature translational stop signal (p.Arg1064*) in the KMT2A gene. It is expected to result in an absent or disrupted protein product. Loss-of-function variants in KMT2A are known to be pathogenic (PMID: 22795537, 25810209, 29574747). This variant is not present in population databases (gnomAD no frequency). This variant has not been reported in the literature in individuals affected with KMT2A-related conditions. ClinVar contains an entry for this variant (Variation ID: 432486). For these reasons, this variant has been classified as Pathogenic.

3billion
Classification: Pathogenic for Wiedemann-Steiner syndrome. Last evaluated: 2022-05-22. Review status: criteria provided, single submitter. Criteria: ACMG Guidelines, 2015. Collection method: clinical testing. Allele origin: germline. Affected: yes. Observed: 1 heterozygote.
Comment: The variant is not observed in the gnomAD v2.1.1 dataset. Stop-gained (nonsense): predicted to result in a loss or disruption of normal protein function through nonsense-mediated decay (NMD) or protein truncation. Multiple pathogenic variants are reported downstream of the variant. The variant has been reported at least twice as pathogenic with clinical assertions and evidence for the classification (ClinVar ID: VCV000432486). Therefore, this variant is classified as pathogenic according to the recommendation of ACMG/AMP guideline.

Baylor Genetics
Classification: Pathogenic for Wiedemann-Steiner syndrome. Last evaluated: 2021-04-09. Review status: criteria provided, single submitter. Criteria: ACMG Guidelines, 2015. Collection method: clinical testing. Allele origin: unknown.

CeGaT Center for Human Genetics Tuebingen
Classification: Pathogenic. Last evaluated: 2018-03-01. Review status: criteria provided, single submitter. Criteria: CeGaT Center For Human Genetics Tuebingen Variant Classification Criteria Version 2. Collection method: clinical testing. Allele origin: germline. Affected: yes. Observed: 1 variant allele.

Literature cited by the submitters: PubMed 35982159 (cited by Variantyx, Inc.); PubMed 37025457 (cited by Variantyx, Inc.); PubMed 22795537 (cited by Labcorp Genetics (formerly Invitae), Labcorp); PubMed 25810209 (cited by Labcorp Genetics (formerly Invitae), Labcorp); PubMed 29574747 (cited by Labcorp Genetics (formerly Invitae), Labcorp).